The following is an entry in ClinVar:

ClinVar aggregate classification (germline): Uncertain significance. Review status: criteria provided, multiple submitters, no conflicts (2 of 4 stars). 2 submissions from 2 submitters: Uncertain significance (2). Last evaluated 2022-05-04.

Conditions:
Inborn genetic diseases. Identifiers: MedGen C0950123, MeSH D030342.

Allele frequency attached by ClinVar (database versions not stated): TOPMed below 0.00001; gnomAD 0.00001.
gnomAD v4.1: 1 of 1,588,494 alleles (0.000063%); highest among the groups gnomAD compares: Non-Finnish European, 0.000086%; no homozygotes.

Submissions (2):

Labcorp Genetics (formerly Invitae), Labcorp
Classification: Uncertain significance. Last evaluated: 2022-05-04. Review status: criteria provided, single submitter. Criteria: Invitae Variant Classification Sherloc (09022015). Collection method: clinical testing. Allele origin: germline.
Comment: In summary, the available evidence is currently insufficient to determine the role of this variant in disease. Therefore, it has been classified as a Variant of Uncertain Significance. Variants that disrupt the consensus splice site are a relatively common cause of aberrant splicing (PMID: 17576681, 9536098). Algorithms developed to predict the effect of sequence changes on RNA splicing suggest that this variant may create or strengthen a splice site. This variant has not been reported in the literature in individuals affected with CAD-related conditions. This variant is not present in population databases (gnomAD no frequency). This sequence change falls in intron 42 of the CAD gene. It does not directly change the encoded amino acid sequence of the CAD protein. It affects a nucleotide within the consensus splice site.

Ambry Genetics
Classification: Uncertain significance for Inborn genetic diseases. Last evaluated: 2021-01-15. Review status: criteria provided, single submitter. Criteria: Ambry Variant Classification Scheme 2023. Collection method: clinical testing. Allele origin: germline.
Comment: The c.6480+6T>C intronic alteration consists of a T to C substitution 6 nucleotides after exon 42 (coding exon 42) of the CAD gene. Based on insufficient or conflicting evidence, the clinical significance of this alteration remains unclear.

Literature cited by the submitters: PubMed 17576681 (cited by Labcorp Genetics (formerly Invitae), Labcorp); PubMed 9536098 (cited by Labcorp Genetics (formerly Invitae), Labcorp).

NM_004341.5(CAD):c.6480+6T>C

Genes: CAD (carbamoyl-phosphate synthetase 2, aspartate transcarbamylase, and dihydroorotase; plus strand), LOC126806172 (CDK7 strongly-dependent group 2 enhancer GRCh37_chr2:27465505-27466704; plus strand). Cytogenetic location: 2p23.3.
Variant type: single nucleotide variant.
Coding change: c.6480+6T>C on transcript NM_004341.5 (MANE Select); 6 bases into the intron after coding-DNA position 6480, T replaced by C.
Molecular consequence: intron variant.
Genome position (GRCh38, 1-based): chr2:27,242,979, T>C. VCF-style: chr2-27242979-T-C. GRCh37 (hg19) VCF-style: chr2-27465847-T-C.
Other names: c.6291+6T>C (NM_001306079.2).
Identifiers: ClinVar variation 2094826 (VCV002094826.5), dbSNP rs943549081, ClinGen allele CA44521776.